The following is an entry in ClinVar:

ClinVar aggregate classification (germline): Uncertain significance. Review status: criteria provided, multiple submitters, no conflicts (2 of 4 stars). 3 submissions from 3 submitters: Uncertain significance (2). 1 of the submissions does not count toward it. Last evaluated 2024-02-22.

Conditions:
Behcet disease (BD). Also called: Behcet's syndrome; Behcet Syndrome. Identifiers: Orphanet 117, MedGen C0004943, MONDO:0007191, OMIM 109650, MeSH D001528.
Deficiency of adenosine deaminase 2. Also called: Polyarteritis nodosa, childhoood-onset; VASCULITIS, AUTOINFLAMMATION, IMMUNODEFICIENCY, AND HEMATOLOGIC DEFECTS SYNDROME; Adenosine Deaminase 2 Deficiency. Identifiers: Orphanet 404553, MedGen C3887654, MONDO:0014306, OMIM 615688, MONDO:0100317.
Sneddon syndrome (SNDNS). Also called: LIVEDO RETICULARIS AND CEREBROVASCULAR ACCIDENTS; Idiopathic livedo reticularis with systemic involvement. Identifiers: Orphanet 820, MedGen C0282492, MONDO:0008436, OMIM 182410.

Allele frequency attached by ClinVar (database versions not stated): ExAC 0.00002; gnomAD 0.00003 and 0.00005; gnomAD exomes 0.00003 and 0.00005; TOPMed 0.00005.
gnomAD v4.1: 61 of 1,612,106 alleles (0.0038%); highest among the groups gnomAD compares: Middle Eastern, 0.042%; no homozygotes.

Submissions (3):

Fulgent Genetics
Classification: Uncertain significance for Sneddon syndrome; Deficiency of adenosine deaminase 2. Last evaluated: 2024-02-22. Review status: criteria provided, single submitter. Criteria: ACMG Guidelines, 2015. Collection method: clinical testing. Allele origin: germline.

Labcorp Genetics (formerly Invitae), Labcorp
Classification: Uncertain significance for Deficiency of adenosine deaminase 2. Last evaluated: 2023-12-30. Review status: criteria provided, single submitter. Criteria: Invitae Variant Classification Sherloc (09022015). Collection method: clinical testing. Allele origin: germline.
Comment: This sequence change replaces alanine, which is neutral and non-polar, with valine, which is neutral and non-polar, at codon 247 of the ADA2 protein (p.Ala247Val). This variant is present in population databases (rs750868279, gnomAD 0.02%). This missense change has been observed in individual(s) with autoinflammatory disease (PMID: 28814775, 29681619). ClinVar contains an entry for this variant (Variation ID: 375251). Advanced modeling of protein sequence and biophysical properties (such as structural, functional, and spatial information, amino acid conservation, physicochemical variation, residue mobility, and thermodynamic stability) performed at Invitae indicates that this missense variant is not expected to disrupt ADA2 protein function with a negative predictive value of 80%. In summary, the available evidence is currently insufficient to determine the role of this variant in disease. Therefore, it has been classified as a Variant of Uncertain Significance.

Department of Immunology, Hospital Universitario Virgen del Rocio
Classification: Pathogenic for Behcet disease. Last evaluated: 2017-01-13. Review status: no assertion criteria provided. Collection method: case-control. Allele origin: germline. Affected: yes. Observed: 1 variant allele, 1 heterozygote. Not counted in ClinVar's aggregate classification.

Literature cited by the submitters: PubMed 28814775 (cited by Labcorp Genetics (formerly Invitae), Labcorp); PubMed 29681619 (cited by Labcorp Genetics (formerly Invitae), Labcorp).

NM_001282225.2(ADA2):c.740C>T (p.Ala247Val)

Gene: ADA2 (adenosine deaminase 2; minus strand). Cytogenetic location: 22q11.1.
Variant type: single nucleotide variant.
Coding change: c.740C>T on transcript NM_001282225.2 (MANE Select); coding-DNA position 740, C replaced by T.
Protein change: p.Ala247Val; replaces alanine 247 with valine.
Molecular consequence: missense variant.
Genome position (GRCh38, 1-based): chr22:17,203,576, G>A on the plus strand (C>T on the coding strand, the complement: ADA2 is on the minus strand). VCF-style: chr22-17203576-G-A. GRCh37 (hg19) VCF-style: chr22-17684466-G-A.
Other names: c.740C>T, p.Ala247Val (NM_001282226.2); c.614C>T, p.Ala205Val (NM_001282227.2, NM_001282228.2); c.380C>T, p.Ala127Val (NM_001282229.2); short protein forms A205V, A247V, A127V.
Identifiers: ClinVar variation 375251 (VCV000375251.11), dbSNP rs750868279, ClinGen allele CA10088146.